The following is an entry in ClinVar:

NM_000264.5(PTCH1):c.1181C>T (p.Ala394Val)

Gene: PTCH1 (patched 1; minus strand). Cytogenetic location: 9q22.32.
Variant type: single nucleotide variant.
Coding change: c.1181C>T on transcript NM_000264.5 (MANE Select); coding-DNA position 1181, C replaced by T.
Protein change: p.Ala394Val; replaces alanine 394 with valine.
Molecular consequence: missense variant. On other transcripts: non-coding transcript variant (1).
Genome position (GRCh38, 1-based): chr9:95,479,034, G>A on the plus strand (C>T on the coding strand, the complement: PTCH1 is on the minus strand). VCF-style: chr9-95479034-G-A. GRCh37 (hg19) VCF-style: chr9-98241316-G-A.
Other names: c.1181C>T (NM_000264.3); c.983C>T, p.Ala328Val (NM_001083602.3); c.1178C>T, p.Ala393Val (NM_001083603.3); c.728C>T, p.Ala243Val (NM_001083604.3, NM_001083605.3, NM_001083606.3 and 1 more transcripts); c.1181C>T, p.Ala394Val (NM_001354918.2); short protein forms A243V, A393V, A394V, A328V.
Identifiers: ClinVar variation 1488393 (VCV001488393.9), dbSNP rs2118364801, ClinGen allele CA374119276.

ClinVar aggregate classification (germline): Uncertain significance. Review status: criteria provided, multiple submitters, no conflicts (2 of 4 stars). 2 submissions from 2 submitters: Uncertain significance (2). Last evaluated 2025-05-25.

Conditions:
Hereditary cancer-predisposing syndrome. Also called: Neoplastic Syndromes, Hereditary; Tumor predisposition; Hereditary neoplastic syndrome; Hereditary Cancer Syndrome. Identifiers: Orphanet 140162, MedGen C0027672, MeSH D009386, MONDO:0015356.
Gorlin syndrome. Also called: Nevoid Basal Cell Carcinoma Syndrome; Basal cell nevus syndrome. Identifiers: Orphanet 377, MedGen C0004779, MONDO:0007187.

Allele frequency attached by ClinVar (database versions not stated): gnomAD exomes below 0.00001.
gnomAD v4.1: 1 of 1,614,218 alleles (0.000062%); highest among the groups gnomAD compares: Middle Eastern, 0.016%; no homozygotes.

Submissions (2):

Labcorp Genetics (formerly Invitae), Labcorp
Classification: Uncertain significance for Gorlin syndrome. Last evaluated: 2025-05-25. Review status: criteria provided, single submitter. Criteria: Invitae Variant Classification Sherloc (09022015). Collection method: clinical testing. Allele origin: germline.
Comment: This sequence change replaces alanine, which is neutral and non-polar, with valine, which is neutral and non-polar, at codon 394 of the PTCH1 protein (p.Ala394Val). This variant is not present in population databases (gnomAD no frequency). This variant has not been reported in the literature in individuals affected with PTCH1-related conditions. ClinVar contains an entry for this variant (Variation ID: 1488393). Invitae Evidence Modeling of protein sequence and biophysical properties (such as structural, functional, and spatial information, amino acid conservation, physicochemical variation, residue mobility, and thermodynamic stability) has been performed for this missense variant. However, the output from this modeling did not meet the statistical confidence thresholds required to predict the impact of this variant on PTCH1 protein function. In summary, the available evidence is currently insufficient to determine the role of this variant in disease. Therefore, it has been classified as a Variant of Uncertain Significance.

Ambry Genetics
Classification: Uncertain significance for Hereditary cancer-predisposing syndrome. Last evaluated: 2023-03-08. Review status: criteria provided, single submitter. Criteria: Ambry Variant Classification Scheme 2023. Collection method: clinical testing. Allele origin: germline.
Comment: The p.A394V variant (also known as c.1181C>T), located in coding exon 8 of the PTCH1 gene, results from a C to T substitution at nucleotide position 1181. The alanine at codon 394 is replaced by valine, an amino acid with similar properties. This amino acid position is highly conserved in available vertebrate species. In addition, the in silico prediction for this alteration is inconclusive. Since supporting evidence is limited at this time, the clinical significance of this alteration remains unclear.